The following is an entry in ClinVar:

NM_007129.5(ZIC2):c.1439C>T (p.Ser480Leu)

Gene: ZIC2 (Zic family zinc finger 2; plus strand). Cytogenetic location: 13q32.3.
Variant type: single nucleotide variant.
Coding change: c.1439C>T on transcript NM_007129.5 (MANE Select); coding-DNA position 1439, C replaced by T.
Protein change: p.Ser480Leu; replaces serine 480 with leucine.
Molecular consequence: missense variant.
Genome position (GRCh38, 1-based): chr13:99,985,522, C>T. VCF-style: chr13-99985522-C-T. GRCh37 (hg19) VCF-style: chr13-100637776-C-T.
Other names: short protein forms S480L.
Identifiers: ClinVar variation 1496830 (VCV001496830.6), dbSNP rs2053262180, ClinGen allele CA388639563.

ClinVar aggregate classification (germline): Uncertain significance (1 of 4 stars; one submission).

Conditions:
Holoprosencephaly 5 (HPE5). Identifiers: Orphanet 2162, MedGen C1864827, MONDO:0012322, OMIM 609637.

Allele frequency attached by ClinVar (database versions not stated): TOPMed below 0.00001; gnomAD 0.00001; gnomAD exomes 0.00001.
gnomAD v4.1: 11 of 1,022,960 alleles (0.0011%); highest among the groups gnomAD compares: Non-Finnish European, 0.0012%; no homozygotes.

Submission:

Labcorp Genetics (formerly Invitae), Labcorp
Classification: Uncertain significance for Holoprosencephaly 5. Last evaluated: 2025-08-21. Review status: criteria provided, single submitter. Criteria: Invitae Variant Classification Sherloc (09022015). Collection method: clinical testing. Allele origin: germline.
Comment: This sequence change replaces serine, which is neutral and polar, with leucine, which is neutral and non-polar, at codon 480 of the ZIC2 protein (p.Ser480Leu). The frequency data for this variant in the population databases is considered unreliable, as metrics indicate insufficient coverage at this position in the gnomAD database. This variant has not been reported in the literature in individuals affected with ZIC2-related conditions. ClinVar contains an entry for this variant (Variation ID: 1496830). Experimental studies and prediction algorithms are not available or were not evaluated, and the functional significance of this variant is currently unknown. In summary, the available evidence is currently insufficient to determine the role of this variant in disease. Therefore, it has been classified as a Variant of Uncertain Significance.